The following is an entry in ClinVar:

NM_001042492.3(NF1):c.3416C>T (p.Ala1139Val)

Gene: NF1 (neurofibromin 1; plus strand). Cytogenetic location: 17q11.2.
Variant type: single nucleotide variant.
Coding change: c.3416C>T on transcript NM_001042492.3 (MANE Select); coding-DNA position 3416, C replaced by T.
Protein change: p.Ala1139Val; replaces alanine 1139 with valine.
Molecular consequence: missense variant.
Genome position (GRCh38, 1-based): chr17:31,232,801, C>T. VCF-style: chr17-31232801-C-T. GRCh37 (hg19) VCF-style: chr17-29559819-C-T.
Other names: c.3416C>T, p.Ala1139Val (NM_000267.4); short protein forms A1139V.
Identifiers: ClinVar variation 1731215 (VCV001731215.2), dbSNP rs1555614960, ClinGen allele CA398989194.

ClinVar aggregate classification (germline): Uncertain significance (1 of 4 stars; one submission).

Conditions:
Hereditary cancer-predisposing syndrome. Also called: Neoplastic Syndromes, Hereditary; Tumor predisposition; Hereditary Cancer Syndrome; Hereditary neoplastic syndrome. Identifiers: Orphanet 140162, MedGen C0027672, MeSH D009386, MONDO:0015356.
Cardiovascular phenotype. Identifiers: MedGen CN230736.

Submission:

Ambry Genetics
Classification: Uncertain significance for Cardiovascular phenotype; Hereditary cancer-predisposing syndrome. Last evaluated: 2023-08-14. Review status: criteria provided, single submitter. Criteria: Ambry Variant Classification Scheme 2023. Collection method: clinical testing. Allele origin: germline.
Comment: The p.A1139V variant (also known as c.3416C>T), located in coding exon 26 of the NF1 gene, results from a C to T substitution at nucleotide position 3416. The alanine at codon 1139 is replaced by valine, an amino acid with similar properties. This amino acid position is highly conserved in available vertebrate species. In addition, this alteration is predicted to be tolerated by in silico analysis. Since supporting evidence is limited at this time, the clinical significance of this alteration remains unclear.